The following is an entry in ClinVar:

ClinVar aggregate classification (germline): Uncertain significance (1 of 4 stars; one submission).

Conditions:
Hereditary cancer-predisposing syndrome. Also called: Tumor predisposition; Neoplastic Syndromes, Hereditary; Hereditary neoplastic syndrome; Hereditary Cancer Syndrome. Identifiers: Orphanet 140162, MedGen C0027672, MeSH D009386, MONDO:0015356.

Submission:

Ambry Genetics
Classification: Uncertain significance for Hereditary cancer-predisposing syndrome. Last evaluated: 2024-09-10. Review status: criteria provided, single submitter. Criteria: Ambry Variant Classification Scheme 2023. Collection method: clinical testing. Allele origin: germline.
Comment: The p.N1270K variant (also known as c.3810C>A), located in coding exon 30 of the TSC2 gene, results from a C to A substitution at nucleotide position 3810. The asparagine at codon 1270 is replaced by lysine, an amino acid with similar properties. This amino acid position is conserved. In addition, the in silico prediction for this alteration is inconclusive. Based on the available evidence, the clinical significance of this variant remains unclear.

NM_000548.5(TSC2):c.3810C>A (p.Asn1270Lys)

Gene: TSC2 (TSC complex subunit 2; plus strand). Cytogenetic location: 16p13.3.
Variant type: single nucleotide variant.
Coding change: c.3810C>A on transcript NM_000548.5 (MANE Select); coding-DNA position 3810, C replaced by A.
Protein change: p.Asn1270Lys; replaces asparagine 1270 with lysine.
Molecular consequence: missense variant. On other transcripts: non-coding transcript variant (5).
Genome position (GRCh38, 1-based): chr16:2,081,794, C>A. VCF-style: chr16-2081794-C-A. GRCh37 (hg19) VCF-style: chr16-2131795-C-A.
Other names: c.3678C>A, p.Asn1226Lys (NM_001077183.3, NM_001370404.1, NM_001406665.1); c.3810C>A, p.Asn1270Lys (NM_001114382.3); c.3570C>A, p.Asn1190Lys (NM_001318827.2); c.3534C>A, p.Asn1178Lys (NM_001318829.2); c.3078C>A, p.Asn1026Lys (NM_001318831.2, NM_001406687.1, NM_001406688.1); c.3711C>A, p.Asn1237Lys (NM_001318832.2); c.3681C>A, p.Asn1227Lys (NM_001363528.2, NM_001370405.1, NM_021055.3); c.3807C>A, p.Asn1269Lys (NM_001406663.1, NM_001406664.1); and 18 more; short protein forms N1177K, N1207K, N1226K, N1257K, N1270K, N779K, N1073K, N1178K.
Identifiers: ClinVar variation 3462621 (VCV003462621.1).
Genomic context (GRCh38, chr16:2,081,794, plus strand): 5'-CAAGTCACTGTCGGTGCCGGCAGCCAGCACGGCCAAACCCCCTCCTCTGCCTCGCTCCAA[C>A]ACAGGTGAGTGGCATGGCGGGCCTTGGCACGGGCTCTGCTCCCACTGGCCTGGTGCTCCC-3'
Protein context (NP_000539.2, residues 1260-1280): TAKPPPLPRS[Asn1270Lys]TVASFSSLYQ